The following is an entry in ClinVar:

ClinVar aggregate classification (germline): Uncertain significance (1 of 4 stars; one submission).

Conditions:
Familial thoracic aortic aneurysm and aortic dissection (TAAD). Also called: Thoracic aortic aneurysms and dissections. Identifiers: Orphanet 91387, MedGen C4707243, MONDO:0019625.

Submission:

Ambry Genetics
Classification: Uncertain significance for Familial thoracic aortic aneurysm and aortic dissection. Last evaluated: 2017-08-23. Review status: criteria provided, single submitter. Criteria: Ambry Variant Classification Scheme 2023. Collection method: clinical testing. Allele origin: germline.
Comment: The p.N1575K variant (also known as c.4725C>A), located in coding exon 34 of the MED12 gene, results from a C to A substitution at nucleotide position 4725. The asparagine at codon 1575 is replaced by lysine, an amino acid with similar properties. This amino acid position is highly conserved in available vertebrate species. In addition, this alteration is predicted to be tolerated by in silico analysis. Since supporting evidence is limited at this time, the clinical significance of this alteration remains unclear.

NM_005120.3(MED12):c.4725C>A (p.Asn1575Lys)

Gene: MED12 (mediator complex subunit 12; plus strand). Cytogenetic location: Xq13.1.
Variant type: single nucleotide variant.
Coding change: c.4725C>A on transcript NM_005120.3 (MANE Select); coding-DNA position 4725, C replaced by A.
Protein change: p.Asn1575Lys; replaces asparagine 1575 with lysine.
Molecular consequence: missense variant.
Genome position (GRCh38, 1-based): chrX:71,134,464, C>A. VCF-style: chrX-71134464-C-A. GRCh37 (hg19) VCF-style: chrX-70354314-C-A.
Other names: short protein forms N1575K.
Identifiers: ClinVar variation 519916 (VCV000519916.5), dbSNP rs1556338296, ClinGen allele CA413531939.